The following is an entry in ClinVar:

NM_000565.4(IL6R):c.7G>T (p.Ala3Ser)

Genes: IL6R (interleukin 6 receptor; plus strand), IL6R-AS1 (IL6R antisense RNA 1; minus strand). Cytogenetic location: 1q21.3.
Variant type: single nucleotide variant.
Coding change: c.7G>T on transcript NM_000565.4 (MANE Select); coding-DNA position 7, G replaced by T.
Protein change: p.Ala3Ser; replaces alanine 3 with serine.
Molecular consequence: missense variant.
Genome position (GRCh38, 1-based): chr1:154,405,636, G>T. VCF-style: chr1-154405636-G-T. GRCh37 (hg19) VCF-style: chr1-154378112-G-T.
Other names: c.7G>T (NM_000565.3); c.7G>T, p.Ala3Ser (NM_001206866.2, NM_001382769.1, NM_001382770.1 and 5 more transcripts); short protein forms A3S.
Identifiers: ClinVar variation 1955155 (VCV001955155.12), dbSNP rs894754581, ClinGen allele CA342595309.
Genomic context (GRCh38, chr1:154,405,636, plus strand): 5'-CCCATTAGCCTGTCCGCCTCTGCGGGACCATGGAGTGGTAGCCGAGGAGGAAGCATGCTG[G>T]CCGTCGGCTGCGCGCTGCTGGCTGCCCTGCTGGCCGCGCCGGGAGCGGCGCTGGCCCCAA-3'
Protein context (NP_000556.1, residues 1-13): ML[Ala3Ser]VGCALLAALL

ClinVar aggregate classification (germline): Uncertain significance. Review status: criteria provided, multiple submitters, no conflicts (2 of 4 stars). 3 submissions from 3 submitters: Uncertain significance (2). 1 of the submissions does not count toward it. Last evaluated 2025-06-01.

Conditions:
IL6R-related disorder. Also called: IL6R-related condition.

Allele frequency attached by ClinVar (database versions not stated): gnomAD 0.00001.

Submissions (3):

CeGaT Center for Human Genetics Tuebingen
Classification: Uncertain significance. Last evaluated: 2025-06-01. Review status: criteria provided, single submitter. Criteria: CeGaT Center For Human Genetics Tuebingen Variant Classification Criteria Version 2. Collection method: clinical testing. Allele origin: germline. Affected: yes. Observed: 2 variant alleles.
Comment: IL6R: PM2, PP4

Labcorp Genetics (formerly Invitae), Labcorp
Classification: Uncertain significance. Last evaluated: 2024-10-24. Review status: criteria provided, single submitter. Criteria: Invitae Variant Classification Sherloc (09022015). Collection method: clinical testing. Allele origin: germline.
Comment: This sequence change replaces alanine, which is neutral and non-polar, with serine, which is neutral and polar, at codon 3 of the IL6R protein (p.Ala3Ser). The frequency data for this variant in the population databases is considered unreliable, as metrics indicate poor data quality at this position in the gnomAD database. This variant has not been reported in the literature in individuals affected with IL6R-related conditions. ClinVar contains an entry for this variant (Variation ID: 1955155). Experimental studies and prediction algorithms are not available or were not evaluated, and the functional significance of this variant is currently unknown. In summary, the available evidence is currently insufficient to determine the role of this variant in disease. Therefore, it has been classified as a Variant of Uncertain Significance.

PreventionGenetics, part of Exact Sciences
Classification: Uncertain significance for IL6R-related condition. Last evaluated: 2024-08-02. Review status: no assertion criteria provided. Collection method: clinical testing. Allele origin: germline. Not counted in ClinVar's aggregate classification.
Comment: The IL6R c.7G>T variant is predicted to result in the amino acid substitution p.Ala3Ser. To our knowledge, this variant has not been reported in the literature. This variant is reported in 0.0060% of alleles in individuals of European (Non-Finnish) descent in gnomAD. At this time, the clinical significance of this variant is uncertain due to the absence of conclusive functional and genetic evidence.